The following is an entry in ClinVar:

NM_002772.3(TMPRSS15):c.1961A>G (p.Glu654Gly)

Gene: TMPRSS15 (transmembrane serine protease 15; minus strand). Cytogenetic location: 21q21.1.
Variant type: single nucleotide variant.
Coding change: c.1961A>G on transcript NM_002772.3 (MANE Select); coding-DNA position 1961, A replaced by G.
Protein change: p.Glu654Gly; replaces glutamic acid 654 with glycine.
Molecular consequence: missense variant.
Genome position (GRCh38, 1-based): chr21:18,315,217, T>C on the plus strand (A>G on the coding strand, the complement: TMPRSS15 is on the minus strand). VCF-style: chr21-18315217-T-C. GRCh37 (hg19) VCF-style: chr21-19687534-T-C.
Other names: short protein forms E654G.
Identifiers: ClinVar variation 2093974 (VCV002093974.4), dbSNP rs2075149789, ClinGen allele CA409849385.

ClinVar aggregate classification (germline): Uncertain significance (1 of 4 stars; one submission).

Allele frequency attached by ClinVar (database versions not stated): gnomAD exomes below 0.00001; gnomAD 0.00001.
gnomAD v4.1: 2 of 1,613,748 alleles (0.00012%); highest among the groups gnomAD compares: Admixed American, 0.0033%; no homozygotes.

Submission:

Labcorp Genetics (formerly Invitae), Labcorp
Classification: Uncertain significance. Last evaluated: 2022-08-31. Review status: criteria provided, single submitter. Criteria: Invitae Variant Classification Sherloc (09022015). Collection method: clinical testing. Allele origin: germline.
Comment: In summary, the available evidence is currently insufficient to determine the role of this variant in disease. Therefore, it has been classified as a Variant of Uncertain Significance. Algorithms developed to predict the effect of sequence changes on RNA splicing suggest that this variant may create or strengthen a splice site. Algorithms developed to predict the effect of missense changes on protein structure and function are either unavailable or do not agree on the potential impact of this missense change (SIFT: "Not Available"; PolyPhen-2: "Benign"; Align-GVGD: "Not Available"). This variant has not been reported in the literature in individuals affected with TMPRSS15-related conditions. This variant is not present in population databases (gnomAD no frequency). This sequence change replaces glutamic acid, which is acidic and polar, with glycine, which is neutral and non-polar, at codon 654 of the TMPRSS15 protein (p.Glu654Gly).